The following is an entry in ClinVar:

NM_006440.5(TXNRD2):c.14C>T (p.Ala5Val)

Genes: COMT (catechol-O-methyltransferase; plus strand), TXNRD2 (thioredoxin reductase 2; minus strand). Cytogenetic location: 22q11.21.
Variant type: single nucleotide variant.
Coding change: c.14C>T on transcript NM_006440.5 (MANE Select); coding-DNA position 14, C replaced by T.
Protein change: p.Ala5Val; replaces alanine 5 with valine.
Molecular consequence: missense variant. On other transcripts: non-coding transcript variant (1), 5 prime UTR variant (2).
Genome position (GRCh38, 1-based): chr22:19,941,790, G>A on the plus strand (C>T on the coding strand, the complement: TXNRD2 is on the minus strand). VCF-style: chr22-19941790-G-A. GRCh37 (hg19) VCF-style: chr22-19929313-G-A.
Other names: c.14C>T, p.Ala5Val (NM_001282512.3, NM_001352300.2); c.-199G>A (NM_000754.4); c.-493G>A (NM_001362828.2); short protein forms A5V.
Identifiers: ClinVar variation 222880 (VCV000222880.11), dbSNP rs775392322, ClinGen allele CA078220.

ClinVar aggregate classification (germline): Uncertain significance. Review status: criteria provided, multiple submitters, no conflicts (2 of 4 stars). 3 submissions from 3 submitters: Uncertain significance (3). Last evaluated 2026-02-13.

Conditions:
Primary dilated cardiomyopathy (DCM). Also called: Dilated Cardiomyopathy. Identifiers: Orphanet 217604, MedGen C0007193, MeSH D002311, MONDO:0005021, HP:0001644. Inheritance: Various modes of inheritance.
Cardiovascular phenotype. Identifiers: MedGen CN230736.

Allele frequency attached by ClinVar (database versions not stated): TOPMed below 0.00001; ExAC 0.00004.
gnomAD v4.1: 17 of 1,532,582 alleles (0.0011%); highest among the groups gnomAD compares: East Asian, 0.0026%; no homozygotes.

Submissions (3):

Ambry Genetics
Classification: Uncertain significance for Cardiovascular phenotype. Last evaluated: 2026-02-13. Review status: criteria provided, single submitter. Criteria: Ambry Variant Classification Scheme 2023. Collection method: clinical testing. Allele origin: germline.
Comment: The p.A5V variant (also known as c.14C>T), located in coding exon 1 of the TXNRD2 gene, results from a C to T substitution at nucleotide position 14. The alanine at codon 5 is replaced by valine, an amino acid with similar properties. This amino acid position is conserved. In addition, this alteration is predicted to be tolerated by in silico analysis. Based on the available evidence, the clinical significance of this variant remains unclear.

Labcorp Genetics (formerly Invitae), Labcorp
Classification: Uncertain significance for Primary dilated cardiomyopathy. Last evaluated: 2024-12-23. Review status: criteria provided, single submitter. Criteria: Invitae Variant Classification Sherloc (09022015). Collection method: clinical testing. Allele origin: germline.
Comment: This sequence change replaces alanine, which is neutral and non-polar, with valine, which is neutral and non-polar, at codon 5 of the TXNRD2 protein (p.Ala5Val). The frequency data for this variant in the population databases is considered unreliable, as metrics indicate poor data quality at this position in the gnomAD database. This variant has not been reported in the literature in individuals affected with TXNRD2-related conditions. ClinVar contains an entry for this variant (Variation ID: 222880). An algorithm developed to predict the effect of missense changes on protein structure and function (PolyPhen-2) suggests that this variant is likely to be tolerated. In summary, the available evidence is currently insufficient to determine the role of this variant in disease. Therefore, it has been classified as a Variant of Uncertain Significance.

Blueprint Genetics
Classification: Uncertain significance. Last evaluated: 2022-03-30. Review status: criteria provided, single submitter. Criteria: ACMG Guidelines, 2015. Collection method: clinical testing. Allele origin: germline.